The following is an entry in ClinVar:

NM_004064.5(CDKN1B):c.58C>T (p.Gln20Ter)

Gene: CDKN1B (cyclin dependent kinase inhibitor 1B; plus strand). Cytogenetic location: 12p13.1.
Variant type: single nucleotide variant.
Coding change: c.58C>T on transcript NM_004064.5 (MANE Select); coding-DNA position 58, C replaced by T.
Protein change: p.Gln20Ter; replaces glutamine 20 with a stop codon.
Molecular consequence: nonsense.
Genome position (GRCh38, 1-based): chr12:12,717,897, C>T. VCF-style: chr12-12717897-C-T. GRCh37 (hg19) VCF-style: chr12-12870831-C-T.
Other names: short protein forms Q20*.
Identifiers: ClinVar variation 843386 (VCV000843386.11), dbSNP rs1946487230, ClinGen allele CA383968213.
Genomic context (GRCh38, chr12:12,717,897, plus strand): 5'-AAGATGTCAAACGTGCGAGTGTCTAACGGGAGCCCTAGCCTGGAGCGGATGGACGCCAGG[C>T]AGGCGGAGCACCCCAAGCCCTCGGCCTGCAGGAACCTCTTCGGCCCGGTGGACCACGAAG-3'

ClinVar aggregate classification (germline): Pathogenic. Review status: criteria provided, multiple submitters, no conflicts (2 of 4 stars). 2 submissions from 2 submitters: Pathogenic (2). Last evaluated 2022-02-08.

Conditions:
Hereditary cancer-predisposing syndrome. Also called: Neoplastic Syndromes, Hereditary; Hereditary neoplastic syndrome; Tumor predisposition; Hereditary Cancer Syndrome. Identifiers: Orphanet 140162, MedGen C0027672, MeSH D009386, MONDO:0015356.
Multiple endocrine neoplasia type 4. Also called: MULTIPLE ENDOCRINE NEOPLASIA, TYPE IV. Identifiers: Orphanet 276152, MedGen C1970712, MONDO:0012552, OMIM 610755.

Submissions (3):

Ambry Genetics
Classification: Pathogenic for Hereditary cancer-predisposing syndrome. Last evaluated: 2022-02-08. Review status: criteria provided, single submitter. Criteria: Ambry Variant Classification Scheme 2023. Collection method: clinical testing. Allele origin: germline.
Comment: The p.Q20* pathogenic variant (also known as c.58C>T), located in coding exon 1 of the CDKN1B gene, results from a C to T substitution at nucleotide position 58. This changes the amino acid from a glutamine to a stop codon within coding exon 1. This alteration has been observed in at least one individual with a personal and/or family history that is consistent with CDKN1B-related disease (Ambry internal data).This alteration is expected to result in loss of function by premature protein truncation or nonsense-mediated mRNA decay. As such, this alteration is interpreted as a disease-causing mutation.

Labcorp Genetics (formerly Invitae), Labcorp
Classification: Pathogenic for Multiple endocrine neoplasia type 4. Last evaluated: 2021-02-14. Review status: criteria provided, single submitter. Criteria: Invitae Variant Classification Sherloc (09022015). Collection method: clinical testing. Allele origin: germline.
Comment: This variant is not present in population databases (ExAC no frequency). This variant has not been reported in the literature in individuals with CDKN1B-related conditions. This sequence change creates a premature translational stop signal (p.Gln20*) in the CDKN1B gene. It is expected to result in an absent or disrupted protein product. For these reasons, this variant has been classified as Pathogenic. Loss-of-function variants in CDKN1B are known to be pathogenic (PMID: 17030811, 24819502).

Dr. Peter K. Rogan Lab, Western University
No classification provided (evidence only). Condition: Lung cancer. Review status: no classification provided. Collection method: in vitro. Allele origin: not applicable. Functional consequence: retained intron. Not counted in ClinVar's aggregate classification.

Literature cited by the submitters: PubMed 17030811 (cited by Labcorp Genetics (formerly Invitae), Labcorp); PubMed 24819502 (cited by Labcorp Genetics (formerly Invitae), Labcorp).